The following is an entry in ClinVar:

NM_001369.3(DNAH5):c.4985G>A (p.Trp1662Ter)

Gene: DNAH5 (dynein axonemal heavy chain 5; minus strand). Cytogenetic location: 5p15.2.
Variant type: single nucleotide variant.
Coding change: c.4985G>A on transcript NM_001369.3 (MANE Select); coding-DNA position 4985, G replaced by A.
Protein change: p.Trp1662Ter; replaces tryptophan 1662 with a stop codon.
Molecular consequence: nonsense.
Genome position (GRCh38, 1-based): chr5:13,850,781, C>T on the plus strand (G>A on the coding strand, the complement: DNAH5 is on the minus strand). VCF-style: chr5-13850781-C-T. GRCh37 (hg19) VCF-style: chr5-13850890-C-T.
Other names: short protein forms W1662*.
Identifiers: ClinVar variation 3382806 (VCV003382806.2).

ClinVar aggregate classification (germline): Pathogenic (1 of 4 stars; one submission).

Conditions:
Primary ciliary dyskinesia 3. Identifiers: Orphanet 244, MedGen C1837618, MONDO:0012085, OMIM 608644.

Submission:

Juno Genomics, Hangzhou Juno Genomics, Inc
Classification: Pathogenic for Primary ciliary dyskinesia 3. Review status: criteria provided, single submitter. Criteria: ACMG Guidelines, 2015. Collection method: clinical testing. Allele origin: germline. Affected: yes.
Comment: Absent from controls (or at extremely low frequency if recessive) in Genome Aggregation Database, Exome Sequencing Project, 1000 Genomes Project, or Exome Aggregation Consortium.;Null variant in a gene where loss of function (LOF) is a known mechanism of disease.;Patient's phenotype or family history is highly specific for a disease with a single genetic etiology.